The following is an entry in ClinVar:

NM_001376.5(DYNC1H1):c.2600G>A (p.Cys867Tyr)

Gene: DYNC1H1 (dynein cytoplasmic 1 heavy chain 1; plus strand). Cytogenetic location: 14q32.31.
Variant type: single nucleotide variant.
Coding change: c.2600G>A on transcript NM_001376.5 (MANE Select); coding-DNA position 2600, G replaced by A.
Protein change: p.Cys867Tyr; replaces cysteine 867 with tyrosine.
Molecular consequence: missense variant.
Genome position (GRCh38, 1-based): chr14:101,987,514, G>A. VCF-style: chr14-101987514-G-A. GRCh37 (hg19) VCF-style: chr14-102453851-G-A.
Other names: short protein forms C867Y.
Identifiers: ClinVar variation 3636126 (VCV003636126.2).

ClinVar aggregate classification (germline): Uncertain significance (1 of 4 stars; one submission).

Conditions:
Charcot-Marie-Tooth disease axonal type 2O. Also called: Charcot-Marie-Tooth disease, axonal, type 20; CHARCOT-MARIE-TOOTH NEUROPATHY, AXONAL, TYPE 2O; CHARCOT-MARIE-TOOTH DISEASE, AXONAL, AUTOSOMAL DOMINANT, TYPE 2O; Charcot-Marie-Tooth Neuropathy Type 2O. Identifiers: Orphanet 284232, MedGen C3280220, MONDO:0013644, OMIM 614228.

gnomAD v4.1: 1 of 1,614,184 alleles (0.000062%); highest among the groups gnomAD compares: Non-Finnish European, 0.000085%; no homozygotes.

Submission:

Labcorp Genetics (formerly Invitae), Labcorp
Classification: Uncertain significance for Charcot-Marie-Tooth disease axonal type 2O. Last evaluated: 2024-03-20. Review status: criteria provided, single submitter. Criteria: Invitae Variant Classification Sherloc (09022015). Collection method: clinical testing. Allele origin: germline.
Comment: This sequence change replaces cysteine, which is neutral and slightly polar, with tyrosine, which is neutral and polar, at codon 867 of the DYNC1H1 protein (p.Cys867Tyr). This variant is not present in population databases (gnomAD no frequency). This variant has not been reported in the literature in individuals affected with DYNC1H1-related conditions. Advanced modeling of protein sequence and biophysical properties (such as structural, functional, and spatial information, amino acid conservation, physicochemical variation, residue mobility, and thermodynamic stability) performed at Invitae indicates that this missense variant is expected to disrupt DYNC1H1 protein function with a positive predictive value of 95%. In summary, the available evidence is currently insufficient to determine the role of this variant in disease. Therefore, it has been classified as a Variant of Uncertain Significance.